The following is an entry in ClinVar:

NM_173653.4(SLC9A9):c.1158G>A (p.Thr386=)

Gene: SLC9A9 (solute carrier family 9 member A9; minus strand). Cytogenetic location: 3q24.
Variant type: single nucleotide variant.
Coding change: c.1158G>A on transcript NM_173653.4 (MANE Select); coding-DNA position 1158, G replaced by A.
Protein change: p.Thr386=; no amino-acid change (threonine 386 retained).
Molecular consequence: synonymous variant.
Genome position (GRCh38, 1-based): chr3:143,495,380, C>T on the plus strand (G>A on the coding strand, the complement: SLC9A9 is on the minus strand). VCF-style: chr3-143495380-C-T. GRCh37 (hg19) VCF-style: chr3-143214222-C-T.
Identifiers: ClinVar variation 757091 (VCV000757091.28), dbSNP rs140335350, ClinGen allele CA2653934.

ClinVar aggregate classification (germline): Likely benign. Review status: criteria provided, multiple submitters, no conflicts (2 of 4 stars). 3 submissions from 3 submitters: Likely benign (3). Last evaluated 2022-11-01.

Allele frequency attached by ClinVar (database versions not stated): gnomAD exomes 0.00021; ExAC 0.00026; 1000 Genomes Project 30x 0.00031; 1000 Genomes Project 0.00040; gnomAD 0.00068 and 0.00074; TOPMed 0.00073; ESP Exome Variant Server 0.00085.
gnomAD v4.1: 362 of 1,614,144 alleles (0.022%); highest among the groups gnomAD compares: African/African-American, 0.21%; 1 homozygote.

Submissions (3):

CeGaT Center for Human Genetics Tuebingen
Classification: Likely benign. Last evaluated: 2022-11-01. Review status: criteria provided, single submitter. Criteria: CeGaT Center For Human Genetics Tuebingen Variant Classification Criteria Version 2. Collection method: clinical testing. Allele origin: germline. Affected: yes. Observed: 1 variant allele.
Comment: SLC9A9: BP4, BP7

Labcorp Genetics (formerly Invitae), Labcorp
Classification: Likely benign. Last evaluated: 2018-06-01. Review status: criteria provided, single submitter. Criteria: Invitae Variant Classification Sherloc (09022015). Collection method: clinical testing. Allele origin: germline.

Breakthrough Genomics
Classification: Likely benign. Review status: criteria provided, single submitter. Criteria: ACMG Guidelines, 2015. Collection method: not provided. Allele origin: germline. Inheritance: Unknown mechanism. Affected: yes.